The following is an entry in ClinVar:

ClinVar aggregate classification (germline): Conflicting classifications of pathogenicity. Review status: criteria provided, conflicting classifications (1 of 4 stars). 5 submissions from 5 submitters: Uncertain significance (2); Benign (1); Likely benign (2). Last evaluated 2026-06-01.

Allele frequency attached by ClinVar (database versions not stated): ExAC 0.00018; gnomAD exomes 0.00025; gnomAD 0.00029; TOPMed 0.00033.
gnomAD v4.1: 384 of 1,386,776 alleles (0.028%); highest among the groups gnomAD compares: Middle Eastern, 0.46%; 1 homozygote.

Submissions (5):

CeGaT Center for Human Genetics Tuebingen
Classification: Likely benign. Last evaluated: 2026-06-01. Review status: criteria provided, single submitter. Criteria: CeGaT Center For Human Genetics Tuebingen Variant Classification Criteria Version 2. Collection method: clinical testing. Allele origin: germline. Affected: yes. Observed: 1 variant allele.
Comment: HOXD13: BP4, BP7, BS1

Labcorp Genetics (formerly Invitae), Labcorp
Classification: Benign. Last evaluated: 2025-12-20. Review status: criteria provided, single submitter. Criteria: Invitae Variant Classification Sherloc (09022015). Collection method: clinical testing. Allele origin: germline.

Blueprint Genetics
Classification: Likely benign. Last evaluated: 2024-11-07. Review status: criteria provided, single submitter. Criteria: ACMG Guidelines, 2015. Collection method: clinical testing. Allele origin: germline.

Eurofins Ntd Llc (ga)
Classification: Uncertain significance. Last evaluated: 2018-05-22. Review status: criteria provided, single submitter. Criteria: EGL ClinVar v180209 classification definitions. Collection method: clinical testing. Allele origin: germline. Observed: 3 variant alleles, 3 heterozygotes.

Breakthrough Genomics
Classification: Uncertain significance. Review status: criteria provided, single submitter. Criteria: ACMG Guidelines, 2015. Collection method: not provided. Allele origin: germline. Inheritance: Autosomal dominant inheritance. Affected: yes.

NM_000523.4(HOXD13):c.135C>T (p.Ser45=)

Gene: HOXD13 (homeobox D13; plus strand). Cytogenetic location: 2q31.1.
Variant type: single nucleotide variant.
Coding change: c.135C>T on transcript NM_000523.4 (MANE Select); coding-DNA position 135, C replaced by T.
Protein change: p.Ser45=; no amino-acid change (serine 45 retained).
Molecular consequence: synonymous variant.
Genome position (GRCh38, 1-based): chr2:176,093,025, C>T. VCF-style: chr2-176093025-C-T. GRCh37 (hg19) VCF-style: chr2-176957753-C-T.
Identifiers: ClinVar variation 286626 (VCV000286626.12), dbSNP rs757175860, ClinGen allele CA1976507.
Genomic context (GRCh38, chr2:176,093,025, plus strand): 5'-TTCCTCCTCCTCATCGGTGGCGGCGGCGGCGGCGTCAGGCCAGTGCCGCGGCTTTCTCTC[C>T]GCGCCTGTGTTCGCCGGGACGCATTCGGGGCGGGCGGCGGCGGCGGCAGCGGCGGCTGCG-3'
Protein context (NP_000514.2, residues 35-55): AASGQCRGFL[Ser45=]APVFAGTHSG